The following is an entry in ClinVar:

NM_002049.4(GATA1):c.-19-12C>T

Gene: GATA1 (GATA binding protein 1; plus strand). Cytogenetic location: Xp11.23.
Variant type: single nucleotide variant.
Coding change: c.-19-12C>T on transcript NM_002049.4 (MANE Select); 12 bases into the intron before 19 bases upstream of the start codon, C replaced by T.
Molecular consequence: intron variant.
Genome position (GRCh38, 1-based): chrX:48,791,079, C>T. VCF-style: chrX-48791079-C-T. GRCh37 (hg19) VCF-style: chrX-48649486-C-T.
Identifiers: ClinVar variation 3032772 (VCV003032772.2), dbSNP rs2519343547, ClinGen allele CA2740092141.

ClinVar aggregate classification (germline): Likely benign (0 of 4 stars; one submission).

Conditions:
GATA1-related disorder. Also called: GATA1-related condition.

Submission:

PreventionGenetics, part of Exact Sciences
Classification: Likely benign for GATA1-related condition. Last evaluated: 2020-09-28. Review status: no assertion criteria provided. Collection method: clinical testing. Allele origin: germline.
Comment: This variant is classified as likely benign based on ACMG/AMP sequence variant interpretation guidelines (Richards et al. 2015 PMID: 25741868, with internal and published modifications).